The following is an entry in ClinVar:

NM_018662.3(DISC1):c.508C>T (p.Arg170Cys)

Genes: DISC1 (DISC1 scaffold protein; plus strand), TSNAX-DISC1 (TSNAX-DISC1 readthrough (NMD candidate); plus strand). Cytogenetic location: 1q42.2.
Variant type: single nucleotide variant.
Coding change: c.508C>T on transcript NM_018662.3 (MANE Select); coding-DNA position 508, C replaced by T.
Protein change: p.Arg170Cys; replaces arginine 170 with cysteine.
Molecular consequence: missense variant. On other transcripts: non-coding transcript variant (8), intron variant (1).
Genome position (GRCh38, 1-based): chr1:231,694,266, C>T. VCF-style: chr1-231694266-C-T. GRCh37 (hg19) VCF-style: chr1-231830012-C-T.
Other names: c.508C>T, p.Arg170Cys (NM_001012957.2, NM_001012958.2, NM_001012959.2 and 18 more transcripts); c.68-55660C>T (NM_001164556.2); short protein forms R170C.
Identifiers: ClinVar variation 783018 (VCV000783018.7), dbSNP rs186593988, ClinGen allele CA1453611.

ClinVar aggregate classification (germline): Benign. Review status: criteria provided, multiple submitters, no conflicts (2 of 4 stars). 3 submissions from 3 submitters: Benign (2). 1 of the submissions does not count toward it. Last evaluated 2019-12-31.

Conditions:
DISC1-related disorder. Also called: DISC1-related condition.

Allele frequency attached by ClinVar (database versions not stated): 1000 Genomes Project 30x 0.00062; gnomAD 0.00046 and 0.00047; 1000 Genomes Project 0.00060; ExAC 0.00130; gnomAD exomes 0.00190 and 0.00041; TOPMed 0.00116.
gnomAD v4.1: 672 of 1,614,250 alleles (0.042%); highest among the groups gnomAD compares: Admixed American, 0.99%; 5 homozygotes.

Submissions (3):

Labcorp Genetics (formerly Invitae), Labcorp
Classification: Benign. Last evaluated: 2019-12-31. Review status: criteria provided, single submitter. Criteria: Invitae Variant Classification Sherloc (09022015). Collection method: clinical testing. Allele origin: germline.

Breakthrough Genomics
Classification: Benign. Review status: criteria provided, single submitter. Criteria: ACMG Guidelines, 2015. Collection method: not provided. Allele origin: germline. Inheritance: Unknown mechanism. Affected: yes.

PreventionGenetics, part of Exact Sciences
Classification: Benign for DISC1-related condition. Last evaluated: 2022-08-16. Review status: no assertion criteria provided. Collection method: clinical testing. Allele origin: germline. Not counted in ClinVar's aggregate classification.
Comment: This variant is classified as benign based on ACMG/AMP sequence variant interpretation guidelines (Richards et al. 2015 PMID: 25741868, with internal and published modifications).